The following is an entry in ClinVar:

ClinVar aggregate classification (germline): Pathogenic (1 of 4 stars; one submission).

Conditions:
Peutz-Jeghers syndrome (PJS). Also called: POLYPOSIS, HAMARTOMATOUS INTESTINAL; POLYPS-AND-SPOTS SYNDROME; Peutz-Jeghers polyposis; Periorificial lentiginosis syndrome. Identifiers: Orphanet 2869, MedGen C0031269, MeSH D010580, MONDO:0008280, OMIM 175200.

Submission:

Labcorp Genetics (formerly Invitae), Labcorp
Classification: Pathogenic for Peutz-Jeghers syndrome. Last evaluated: 2019-06-28. Review status: criteria provided, single submitter. Criteria: Invitae Variant Classification Sherloc (09022015). Collection method: clinical testing. Allele origin: germline.
Comment: For these reasons, this variant has been classified as Pathogenic. Loss-of-function variants in STK11 are known to be pathogenic (PMID: 15188174, 16287113). This variant has not been reported in the literature in individuals with STK11-related conditions. This variant is not present in population databases (ExAC no frequency). This sequence change creates a premature translational stop signal (p.Pro324Thrfs*36) in the STK11 gene. It is expected to result in an absent or disrupted protein product.

Literature cited by the submitters: PubMed 15188174; PubMed 16287113.

NM_000455.5(STK11):c.965dup (p.Pro324fs)

Gene: STK11 (serine/threonine kinase 11; plus strand). Cytogenetic location: 19p13.3.
Variant type: Duplication.
Coding change: c.965dup on transcript NM_000455.5 (MANE Select); coding-DNA position 965, one base duplicated (T; older notation c.965dupT).
Protein change: p.Pro324fs; shifts the reading frame from proline 324.
Molecular consequence: frameshift variant.
Genome position (GRCh38, 1-based): chr19:1,223,029, T duplicated. VCF-style (leftmost placement, unchanged base first): chr19-1223028-A-AT. GRCh37 (hg19) VCF-style: chr19-1223027-A-AT.
Other names: c.965dupT (NM_000455.4); short protein forms P324fs.
Identifiers: ClinVar variation 658358 (VCV000658358.8), dbSNP rs1599929339, ClinGen allele CA915951601.